The following is an entry in ClinVar:

NM_144687.4(NLRP12):c.2371T>C (p.Cys791Arg)

Gene: NLRP12 (NLR family pyrin domain containing 12; minus strand). Cytogenetic location: 19q13.42.
Variant type: single nucleotide variant.
Coding change: c.2371T>C on transcript NM_144687.4 (MANE Select); coding-DNA position 2371, T replaced by C.
Protein change: p.Cys791Arg; replaces cysteine 791 with arginine.
Molecular consequence: missense variant.
Genome position (GRCh38, 1-based): chr19:53,805,323, A>G on the plus strand (T>C on the coding strand, the complement: NLRP12 is on the minus strand). VCF-style: chr19-53805323-A-G. GRCh37 (hg19) VCF-style: chr19-54308577-A-G.
Other names: c.2374T>C, p.Cys792Arg (NM_001277126.2); c.2371T>C, p.Cys791Arg (NM_001277129.1); c.2371T>C (NM_144687.2); short protein forms C792R, C791R.
Identifiers: ClinVar variation 2974712 (VCV002974712.4), dbSNP rs1169304570, ClinGen allele CA407410277.
Genomic context (GRCh38, chr19:53,805,323, plus strand): 5'-CGGGGATAGAGACTCACTGAATCATCTGCAGCCTGCACTGGGGATGCCGCAGGCCCTCGC[A>G]AAGCAGCATCATGCCTGGGAATCCAACGCCGTTGCCACTGAGATCCATCCTTGTCAAATT-3'
Protein context (NP_653288.1, residues 781-801): GVGFPGMMLL[Cys791Arg]EGLRHPQCRL

ClinVar aggregate classification (germline): Uncertain significance. Review status: criteria provided, multiple submitters, no conflicts (2 of 4 stars). 2 submissions from 2 submitters: Uncertain significance (2). Last evaluated 2025-08-26.

Conditions:
Inborn genetic diseases. Identifiers: MedGen C0950123, MeSH D030342.
Familial cold autoinflammatory syndrome 2 (FCAS2). Identifiers: Orphanet 247868, MedGen C2673198, MONDO:0012724, OMIM 611762.

Allele frequency attached by ClinVar (database versions not stated): TOPMed below 0.00001; gnomAD 0.00001.
gnomAD v4.1: 6 of 1,614,006 alleles (0.00037%); highest among the groups gnomAD compares: African/African-American, 0.0027%; no homozygotes.

Submissions (2):

Ambry Genetics
Classification: Uncertain significance for Inborn genetic diseases. Last evaluated: 2025-08-26. Review status: criteria provided, single submitter. Criteria: Ambry Variant Classification Scheme 2023. Collection method: clinical testing. Allele origin: germline.

Labcorp Genetics (formerly Invitae), Labcorp
Classification: Uncertain significance for Familial cold autoinflammatory syndrome 2. Last evaluated: 2023-10-09. Review status: criteria provided, single submitter. Criteria: Invitae Variant Classification Sherloc (09022015). Collection method: clinical testing. Allele origin: germline.
Comment: This sequence change replaces cysteine, which is neutral and slightly polar, with arginine, which is basic and polar, at codon 791 of the NLRP12 protein (p.Cys791Arg). This variant is present in population databases (no rsID available, gnomAD 0.007%). This variant has not been reported in the literature in individuals affected with NLRP12-related conditions. Advanced modeling of protein sequence and biophysical properties (such as structural, functional, and spatial information, amino acid conservation, physicochemical variation, residue mobility, and thermodynamic stability) performed at Invitae indicates that this missense variant is expected to disrupt NLRP12 protein function. In summary, the available evidence is currently insufficient to determine the role of this variant in disease. Therefore, it has been classified as a Variant of Uncertain Significance.